The following is an entry in ClinVar:

ClinVar aggregate classification (germline): Pathogenic (1 of 4 stars; one submission).

Conditions:
Charcot-Marie-Tooth disease type 4. Also called: Charcot-Marie-Tooth, Type 4; Charcot-Marie-Tooth disease, type IV. Identifiers: Orphanet 64749, MedGen C4082197, MONDO:0018995.

Submission:

Labcorp Genetics (formerly Invitae), Labcorp
Classification: Pathogenic for Charcot-Marie-Tooth disease type 4. Last evaluated: 2016-07-10. Review status: criteria provided, single submitter. Criteria: Invitae Variant Classification Sherloc (09022015). Collection method: clinical testing. Allele origin: germline.
Comment: This variant is a gross deletion of the genomic region encompassing exon 2 of the SBF2 gene. This creates a premature translational stop signal and is expected to result in an absent or disrupted protein product. While this particular variant has not been reported in the literature, loss-of-function variants in SBF2 are known to be pathogenic (PMID: 25873783, 26392352). For these reasons, this variant has been classified as Pathogenic.

NC_000011.10:g.(?_10193902)_(10193987_?)del

Gene: SBF2 (SET binding factor 2; minus strand). Cytogenetic location: 11p15.4.
Variant type: Deletion.
Identifiers: ClinVar variation 417314 (VCV000417314.1).